The following is an entry in ClinVar:

NM_001395413.1(POR):c.1255T>G (p.Trp419Gly)

Gene: POR (cytochrome p450 oxidoreductase; plus strand). Cytogenetic location: 7q11.23.
Variant type: single nucleotide variant.
Coding change: c.1255T>G on transcript NM_001395413.1 (MANE Select); coding-DNA position 1255, T replaced by G.
Protein change: p.Trp419Gly; replaces tryptophan 419 with glycine.
Molecular consequence: missense variant. On other transcripts: intron variant (1).
Genome position (GRCh38, 1-based): chr7:75,985,073, T>G. VCF-style: chr7-75985073-T-G. GRCh37 (hg19) VCF-style: chr7-75614391-T-G.
Other names: c.1239+115T>G (NM_001382662.3); c.1255T>G, p.Trp419Gly (NM_001367562.3, NM_001382657.2, NM_001382658.3 and 1 more transcripts); c.1309T>G, p.Trp437Gly (NM_001382655.3); short protein forms W419G, W437G.
Identifiers: ClinVar variation 1330930 (VCV001330930.13), dbSNP rs536353066, ClinGen allele CA4304076.

ClinVar aggregate classification (germline): Uncertain significance. Review status: criteria provided, multiple submitters, no conflicts (2 of 4 stars). 3 submissions from 3 submitters: Uncertain significance (3). Last evaluated 2024-10-14.

Conditions:
Congenital adrenal hyperplasia due to cytochrome P450 oxidoreductase deficiency. Also called: DISORDERED STEROIDOGENESIS DUE TO POR DEFICIENCY. Identifiers: Orphanet 95699, MedGen C1860042, MONDO:0013310, OMIM 613571.

Allele frequency attached by ClinVar (database versions not stated): ExAC 0.00003; gnomAD exomes 0.00005 and 0.00017; TOPMed 0.00007; gnomAD 0.00013 and 0.00014; 1000 Genomes Project 30x 0.00016; 1000 Genomes Project 0.00020.
gnomAD v4.1: 262 of 1,598,828 alleles (0.016%); highest among the groups gnomAD compares: Non-Finnish European, 0.021%; 1 homozygote.

Submissions (3):

Women's Health and Genetics/Laboratory Corporation of America, LabCorp
Classification: Uncertain significance. Last evaluated: 2024-10-14. Review status: criteria provided, single submitter. Criteria: LabCorp Variant Classification Summary - May 2015. Collection method: clinical testing. Allele origin: germline.
Comment: Variant summary: POR c.1255T>G (p.Trp419Gly) results in a non-conservative amino acid change in the encoded protein sequence. Three of three in-silico tools predict a damaging effect of the variant on protein function. The variant allele was found at a frequency of 4.7e-05 in 236554 control chromosomes. This frequency is not significantly higher than estimated for a pathogenic variant in POR causing Congenital Adrenal Hyperplasia (4.7e-05 vs 0.00091), allowing no conclusion about variant significance. c.1255T>G has been reported in the literature in individuals affected with a disorder of sex development. These report(s) do not provide unequivocal conclusions about association of the variant with Congenital Adrenal Hyperplasia. To our knowledge, no experimental evidence demonstrating an impact on protein function has been reported. The following publication have been ascertained in the context of this evaluation (PMID: 29891883). ClinVar contains an entry for this variant (Variation ID: 1330930). Based on the evidence outlined above, the variant was classified as uncertain significance.

Labcorp Genetics (formerly Invitae), Labcorp
Classification: Uncertain significance for Congenital adrenal hyperplasia due to cytochrome P450 oxidoreductase deficiency. Last evaluated: 2022-06-20. Review status: criteria provided, single submitter. Criteria: Invitae Variant Classification Sherloc (09022015). Collection method: clinical testing. Allele origin: germline.
Comment: This sequence change replaces tryptophan, which is neutral and slightly polar, with glycine, which is neutral and non-polar, at codon 422 of the POR protein (p.Trp422Gly). This variant is present in population databases (rs536353066, gnomAD 0.009%). This variant has not been reported in the literature in individuals affected with POR-related conditions. ClinVar contains an entry for this variant (Variation ID: 1330930). Algorithms developed to predict the effect of missense changes on protein structure and function (SIFT, PolyPhen-2, Align-GVGD) all suggest that this variant is likely to be disruptive. In summary, the available evidence is currently insufficient to determine the role of this variant in disease. Therefore, it has been classified as a Variant of Uncertain Significance.

ARUP Laboratories, Molecular Genetics and Genomics, ARUP Laboratories
Classification: Uncertain significance. Last evaluated: 2020-10-09. Review status: criteria provided, single submitter. Criteria: ARUP Molecular Germline Variant Investigation Process 2021. Collection method: clinical testing. Allele origin: germline.
Comment: The POR c.1264T>G, p.Trp422Gly variant (rs536353066), to our knowledge, has not been described in an individual with skeletal abnormalities, but has been described in an individual with a disorder of sex development (Camats 2018). The variant is found in the European (non-Finnish) population with an allele frequency of 0.01% (12/125,514 alleles) in the Genome Aggregation Database. The tryptophan at codon 422 is highly conserved, and computational analyses predict that this variant is deleterious (REVEL: 0.713). Due to limited information, the clinical significance of the p.Trp422Gly variant is uncertain at this time. References: Camats N et al. Broad phenotypes in heterozygous NR5A1 46,XY patients with a disorder of sex development: an oligogenic origin? Eur J Hum Genet. Eur J Hum Genet. 2018 Sep;26(9):1329-1338.

Literature cited by the submitters: PubMed 29891883 (cited by Women's Health and Genetics/Laboratory Corporation of America, LabCorp).